The following is an entry in ClinVar:

ClinVar aggregate classification (germline): Likely pathogenic (1 of 4 stars; one submission).

Conditions:
Telangiectasia, hereditary hemorrhagic, type 2 (HHT2). Also called: ACVRL1-Related Hereditary Hemorrhagic Telangiectasia; Telangiectasia, hereditary hemorrhagic, type II. Identifiers: Orphanet 774, MedGen C1838163, MONDO:0010880, OMIM 600376. Disease mechanism: loss of function.

Submission:

Labcorp Genetics (formerly Invitae), Labcorp
Classification: Likely pathogenic for Telangiectasia, hereditary hemorrhagic, type 2. Last evaluated: 2025-09-04. Review status: criteria provided, single submitter. Criteria: Invitae Variant Classification Sherloc (09022015). Collection method: clinical testing. Allele origin: germline.
Comment: This variant results in the deletion of part of exon 5 of the ACVRL1 gene. It is expected to disrupt RNA splicing. Variants that disrupt the donor or acceptor splice site typically lead to a loss of protein function (PMID: 16199547), and loss-of-function variants in ACVRL1 are known to be pathogenic (PMID: 15879500). This variant is not present in population databases (gnomAD no frequency). This variant has not been reported in the literature in individuals affected with ACVRL1-related conditions. In summary, the currently available evidence indicates that the variant is pathogenic, but additional data are needed to prove that conclusively. Therefore, this variant has been classified as Likely Pathogenic.

Literature cited by the submitters: PubMed 16199547; PubMed 15879500.

NM_000020.3(ACVRL1):c.621_625+3del

Gene: ACVRL1 (activin A receptor like type 1; plus strand). Cytogenetic location: 12q13.13.
Variant type: Deletion.
Coding change: c.621_625+3del on transcript NM_000020.3 (MANE Select); coding-DNA position 621 through 3 bases into the intron after coding-DNA position 625, 8 bases deleted (TGTGGGTG; older notation c.621_625+3delTGTGGGTG).
Molecular consequence: splice donor variant. On other transcripts: intron variant (6).
Genome position (GRCh38, 1-based): chr12:51,914,069-51,914,076, TGTGGGTG deleted; deleting any 8 consecutive bases within chr12:51,914,066-51,914,076 gives the same sequence; the c. name uses the placement nearest the transcript's 3' end. VCF-style (leftmost placement, unchanged base first): chr12-51914065-AGTGTGTGG-A. GRCh37 (hg19) VCF-style: chr12-52307849-AGTGTGTGG-A.
Other names: c.621_625+3del (NM_001406487.1, NM_001406488.1, NM_001077401.2 and 1 more transcripts); c.314-370_314-363del (NM_001406491.1, NM_001406490.1, NM_001406492.1 and 2 more transcripts); c.62-370_62-363del (NM_001406495.1).
Identifiers: ClinVar variation 4726644 (VCV004726644.1).